The following is an entry in ClinVar:

ClinVar aggregate classification (germline): Likely benign. Review status: criteria provided, multiple submitters, no conflicts (2 of 4 stars). 3 submissions from 3 submitters: Likely benign (3). Last evaluated 2026-06-24.

Conditions:
EDNRA-related disorder. Also called: EDNRA-related condition.

Allele frequency attached by ClinVar (database versions not stated): ExAC 0.00003; gnomAD 0.00004; TOPMed 0.00005.
gnomAD v4.1: 45 of 1,613,244 alleles (0.0028%); highest among the groups gnomAD compares: East Asian, 0.011%; 2 homozygotes.

Submissions (3):

PreventionGenetics, part of Exact Sciences
Classification: Likely benign for EDNRA-related condition. Last evaluated: 2026-06-24. Review status: criteria provided, single submitter. Criteria: ACMG Guidelines, 2015. Collection method: clinical testing. Allele origin: germline.
Comment: This variant is classified as likely benign based on ACMG/AMP sequence variant interpretation guidelines (Richards et al. 2015 PMID: 25741868, with internal and published modifications).

Labcorp Genetics (formerly Invitae), Labcorp
Classification: Likely benign. Last evaluated: 2026-01-22. Review status: criteria provided, single submitter. Criteria: Invitae Variant Classification Sherloc (09022015). Collection method: clinical testing. Allele origin: germline.

Blueprint Genetics
Classification: Likely benign. Last evaluated: 2024-01-04. Review status: criteria provided, single submitter. Criteria: ACMG Guidelines, 2015. Collection method: clinical testing. Allele origin: germline.

NM_001957.4(EDNRA):c.504G>A (p.Ser168=)

Gene: EDNRA (endothelin receptor type A; plus strand). Cytogenetic location: 4q31.23.
Variant type: single nucleotide variant.
Coding change: c.504G>A on transcript NM_001957.4 (MANE Select); coding-DNA position 504, G replaced by A.
Protein change: p.Ser168=; no amino-acid change (serine 168 retained).
Molecular consequence: synonymous variant. On other transcripts: non-coding transcript variant (3), intron variant (1).
Genome position (GRCh38, 1-based): chr4:147,519,934, G>A. VCF-style: chr4-147519934-G-A. GRCh37 (hg19) VCF-style: chr4-148441086-G-A.
Other names: c.504G>A, p.Ser168= (NM_001354797.2); c.421-15943G>A (NM_001166055.2); c.504G>A (NM_001957.3).
Identifiers: ClinVar variation 2913754 (VCV002913754.5), dbSNP rs777761094, ClinGen allele CA3097885.